The following is an entry in ClinVar:

ClinVar aggregate classification (germline): Conflicting classifications of pathogenicity. Review status: criteria provided, conflicting classifications (1 of 4 stars). 3 submissions from 3 submitters: Uncertain significance (2); Likely benign (1). Last evaluated 2025-04-28.

Conditions:
Tumor predisposition syndrome 3 (TPDS3). Also called: Glioma susceptibility 9; LONG TELOMERE SYNDROME, POT1-RELATED; POT1 Tumor Predisposition; Melanoma, cutaneous malignant, susceptibility to, 10. Identifiers: Orphanet 618, MedGen C4014476, MONDO:0014368, OMIM 615848.
Hereditary cancer-predisposing syndrome. Also called: Tumor predisposition; Hereditary Cancer Syndrome; Hereditary neoplastic syndrome; Neoplastic Syndromes, Hereditary. Identifiers: Orphanet 140162, MedGen C0027672, MeSH D009386, MONDO:0015356.

Submissions (3):

Labcorp Genetics (formerly Invitae), Labcorp
Classification: Uncertain significance for Tumor predisposition syndrome 3. Last evaluated: 2025-04-28. Review status: criteria provided, single submitter. Criteria: Invitae Variant Classification Sherloc (09022015). Collection method: clinical testing. Allele origin: germline.
Comment: This sequence change replaces methionine, which is neutral and non-polar, with valine, which is neutral and non-polar, at codon 589 of the POT1 protein (p.Met589Val). This variant is not present in population databases (gnomAD no frequency). This variant has not been reported in the literature in individuals affected with POT1-related conditions. ClinVar contains an entry for this variant (Variation ID: 847785). Invitae Evidence Modeling of protein sequence and biophysical properties (such as structural, functional, and spatial information, amino acid conservation, physicochemical variation, residue mobility, and thermodynamic stability) indicates that this missense variant is not expected to disrupt POT1 protein function with a negative predictive value of 80%. In summary, the available evidence is currently insufficient to determine the role of this variant in disease. Therefore, it has been classified as a Variant of Uncertain Significance.

Ambry Genetics
Classification: Likely benign for Hereditary cancer-predisposing syndrome. Last evaluated: 2024-11-05. Review status: criteria provided, single submitter. Criteria: Ambry Variant Classification Scheme 2023. Collection method: clinical testing. Allele origin: germline.

Quest Diagnostics Nichols Institute San Juan Capistrano
Classification: Uncertain significance. Last evaluated: 2023-09-06. Review status: criteria provided, single submitter. Criteria: Quest Diagnostics criteria. Collection method: clinical testing. Allele origin: unknown.
Comment: This variant has not been reported in individuals with POT1-related conditions in the published literature. It also has not been reported in large, multi-ethnic general populations (Genome Aggregation Database). Analysis of this variant using bioinformatics tools for the prediction of the effect of amino acid changes on protein structure and function yielded predictions that this variant is benign. Based on the available information, we are unable to determine the clinical significance of this variant.

NM_015450.3(POT1):c.1765A>G (p.Met589Val)

Gene: POT1 (protection of telomeres 1; minus strand). Cytogenetic location: 7q31.33.
Variant type: single nucleotide variant.
Coding change: c.1765A>G on transcript NM_015450.3 (MANE Select); coding-DNA position 1765, A replaced by G.
Protein change: p.Met589Val; replaces methionine 589 with valine.
Molecular consequence: missense variant. On other transcripts: non-coding transcript variant (3).
Genome position (GRCh38, 1-based): chr7:124,825,279, T>C on the plus strand (A>G on the coding strand, the complement: POT1 is on the minus strand). VCF-style: chr7-124825279-T-C. GRCh37 (hg19) VCF-style: chr7-124465333-T-C.
Other names: c.1372A>G, p.Met458Val (NM_001042594.2); short protein forms M458V, M589V.
Identifiers: ClinVar variation 847785 (VCV000847785.16), dbSNP rs1794602270, ClinGen allele CA369062199.
Genomic context (GRCh38, chr7:124,825,279, plus strand): 5'-GAAGTGTGGGATTGTTAAAATATTCTTGCCTACCAATTTTTATTCCTGGAGGACAAAACA[T>C]ATCCATGATCATATCCACACTTTTCTGAAGGTCATCATCCATCAGAACTTCTGATGCTGG-3'
Protein context (NP_056265.2, residues 579-599): LQKSVDMIMD[Met589Val]FCPPGIKIDA